The following is an entry in ClinVar:

NM_000531.6(OTC):c.278C>G (p.Thr93Arg)

Gene: OTC (ornithine transcarbamylase; plus strand). Cytogenetic location: Xp11.4.
Variant type: single nucleotide variant.
Coding change: c.278C>G on transcript NM_000531.6 (MANE Select); coding-DNA position 278, C replaced by G.
Protein change: p.Thr93Arg; replaces threonine 93 with arginine.
Molecular consequence: missense variant.
Genome position (GRCh38, 1-based): chrX:38,369,857, C>G. VCF-style: chrX-38369857-C-G. GRCh37 (hg19) VCF-style: chrX-38229110-C-G.
Other names: c.278C>G, p.Thr93Arg (NM_001407092.1); short protein forms T93R.
Identifiers: ClinVar variation 3765622 (VCV003765622.1).

ClinVar aggregate classification (germline): Likely pathogenic (1 of 4 stars; one submission).

Conditions:
Ornithine carbamoyltransferase deficiency (OTCD). Also called: ORNITHINE TRANSCARBAMYLASE DEFICIENCY; ORNITHINE TRANSCARBAMYLASE DEFICIENCY, HYPERAMMONEMIA DUE TO; OTC DEFICIENCY; Ornithine Carbamoyltransferase Deficiency Disease. Identifiers: Orphanet 664, MedGen C0268542, MONDO:0010703, OMIM 311250.

Submission:

Greenwood Genetic Center Diagnostic Laboratories, Greenwood Genetic Center
Classification: Likely pathogenic for Ornithine carbamoyltransferase deficiency. Last evaluated: 2024-08-29. Review status: criteria provided, single submitter. Criteria: ACMG Guidelines, 2015. Collection method: clinical testing. Allele origin: germline. Affected: yes.
Comment: PS3_Moderate, PM1_Supporting, PM2, PP3